The following is an entry in ClinVar:

ClinVar aggregate classification (germline): Pathogenic (1 of 4 stars; one submission).

Conditions:
Hypertrophic cardiomyopathy 25 (CMH25). Also called: CARDIOMYOPATHY, FAMILIAL HYPERTROPHIC, 25. Identifiers: MedGen C4225408, MONDO:0011843, OMIM 607487.
Primary familial hypertrophic cardiomyopathy (HCM). Identifiers: Orphanet 99739, MedGen C0949658, MeSH D024741, MONDO:0024573. Inheritance: Various modes of inheritance.

Submission:

Labcorp Genetics (formerly Invitae), Labcorp
Classification: Pathogenic for Hypertrophic cardiomyopathy 25; Primary familial hypertrophic cardiomyopathy. Last evaluated: 2022-01-26. Review status: criteria provided, single submitter. Criteria: Invitae Variant Classification Sherloc (09022015). Collection method: clinical testing. Allele origin: germline.
Comment: This sequence change creates a premature translational stop signal (p.Tyr51Thrfs*16) in the TCAP gene. While this is not anticipated to result in nonsense mediated decay, it is expected to disrupt the last 117 amino acid(s) of the TCAP protein. This variant is not present in population databases (gnomAD no frequency). This variant has not been reported in the literature in individuals affected with TCAP-related conditions. This variant disrupts a region of the TCAP protein in which other variant(s) (p.Cys57*) have been determined to be pathogenic (Invitae). This suggests that this is a clinically significant region of the protein, and that variants that disrupt it are likely to be disease-causing. For these reasons, this variant has been classified as Pathogenic.

NM_003673.4(TCAP):c.151_154del (p.Tyr51fs)

Gene: TCAP (titin-cap; plus strand). Cytogenetic location: 17q12.
Variant type: Deletion.
Coding change: c.151_154del on transcript NM_003673.4 (MANE Select); coding-DNA positions 151 to 154, 4 bases deleted (TACC; older notation c.151_154delTACC).
Protein change: p.Tyr51fs; shifts the reading frame from tyrosine 51.
Molecular consequence: frameshift variant.
Genome position (GRCh38, 1-based): chr17:39,665,756-39,665,759, TACC deleted; deleting any 4 consecutive bases within chr17:39,665,753-39,665,759 gives the same sequence; the c. name uses the placement nearest the transcript's 3' end. VCF-style (leftmost placement, unchanged base first): chr17-39665752-GACCT-G. GRCh37 (hg19) VCF-style: chr17-37822005-GACCT-G.
Other names: short protein forms Y51fs.
Identifiers: ClinVar variation 2090126 (VCV002090126.4), dbSNP rs2057250066, ClinGen allele CA983629449.